The following is an entry in ClinVar:

ClinVar aggregate classification (germline): Uncertain significance (1 of 4 stars; one submission).

Submission:

GeneDx
Classification: Uncertain significance. Last evaluated: 2024-04-23. Review status: criteria provided, single submitter. Criteria: GeneDx Variant Classification Process June 2021. Collection method: clinical testing. Allele origin: germline. Affected: yes.
Comment: Not observed at significant frequency in large population cohorts (gnomAD); In silico analysis indicates that this missense variant does not alter protein structure/function; Has not been previously published as pathogenic or benign to our knowledge

NM_014233.4(UBTF):c.1390A>G (p.Lys464Glu)

Genes: ATXN7L3-AS1 (ATXN7L3 antisense RNA 1; plus strand), UBTF (upstream binding transcription factor; minus strand), LOC121587595 (Sharpr-MPRA regulatory region 7848; plus strand). Cytogenetic location: 17q21.31.
Variant type: single nucleotide variant.
Coding change: c.1390A>G on transcript NM_014233.4 (MANE Select); coding-DNA position 1390, A replaced by G.
Protein change: p.Lys464Glu; replaces lysine 464 with glutamic acid.
Molecular consequence: missense variant. On other transcripts: non-coding transcript variant (1).
Genome position (GRCh38, 1-based): chr17:44,210,443, T>C on the plus strand (A>G on the coding strand, the complement: UBTF is on the minus strand). VCF-style: chr17-44210443-T-C. GRCh37 (hg19) VCF-style: chr17-42287811-T-C.
Other names: c.1279A>G, p.Lys427Glu (NM_001076683.2, NM_001076684.3); short protein forms K427E, K464E.
Identifiers: ClinVar variation 3372870 (VCV003372870.1).
Genomic context (GRCh38, chr17:44,210,443, plus strand): 5'-ACTCGGGCAGCTTGCCCCGTTCCTCGCGCTCCCCGCCGGGCTTCCTCTCCGACTGAGCCT[T>C]GAGCGCCGCCTCTCGGGCCTTGTACTTGGCCTGCGGGGATGGCCCGGGCGTCAGCCTTCC-3'
Protein context (NP_055048.1, residues 454-474): AKYKAREAAL[Lys464Glu]AQSERKPGGE